The following is an entry in ClinVar:

NM_000260.4(MYO7A):c.2035G>A (p.Val679Ile)

Gene: MYO7A (myosin VIIA; plus strand). Cytogenetic location: 11q13.5.
Variant type: single nucleotide variant.
Coding change: c.2035G>A on transcript NM_000260.4 (MANE Select); coding-DNA position 2035, G replaced by A.
Protein change: p.Val679Ile; replaces valine 679 with isoleucine.
Molecular consequence: missense variant.
Genome position (GRCh38, 1-based): chr11:77,174,855, G>A. VCF-style: chr11-77174855-G-A. GRCh37 (hg19) VCF-style: chr11-76885901-G-A.
Other names: c.2035G>A, p.Val679Ile (NM_001127180.2); c.2002G>A, p.Val668Ile (NM_001369365.1); short protein forms V679I, V668I.
Identifiers: ClinVar variation 43170 (VCV000043170.36), dbSNP rs35641839, ClinGen allele CA132233.

ClinVar aggregate classification (germline): Benign/Likely benign. Review status: criteria provided, multiple submitters, no conflicts (2 of 4 stars). 13 submissions from 11 submitters: Benign (7); Likely benign (4). 2 of the submissions do not count toward it. Last evaluated 2026-02-02.

Conditions:
Usher syndrome type 1 (USH1). Also called: RETINITIS PIGMENTOSA AND CONGENITAL DEAFNESS. Identifiers: Orphanet 231169, Orphanet 886, MedGen C1568247, MONDO:0010168, OMIM 276900.
Autosomal recessive nonsyndromic hearing loss 2. Also called: DEAFNESS, AUTOSOMAL RECESSIVE 2; NEUROSENSORY NONSYNDROMIC RECESSIVE DEAFNESS 2. Identifiers: Orphanet 90636, MedGen C1838701, MONDO:0010807, OMIM 600060.
Autosomal dominant nonsyndromic hearing loss 11. Identifiers: Orphanet 90635, MedGen C1832475, MONDO:0011032, OMIM 601317.
Usher syndrome type 1B (USH1B). Also called: Usher syndrome type IB. Identifiers: MedGen C1848638, MONDO:0700087.

Allele frequency attached by ClinVar (database versions not stated): 1000 Genomes Project 0.01797; gnomAD 0.01879 and 0.01743; TOPMed 0.01900; ESP Exome Variant Server 0.01928; gnomAD exomes 0.00425 and 0.00169; 1000 Genomes Project 30x 0.01874; ExAC 0.00520.
gnomAD v4.1: 5,194 of 1,613,706 alleles (0.32%); highest among the groups gnomAD compares: African/African-American, 6%; 124 homozygotes.

Submissions (13):

Labcorp Genetics (formerly Invitae), Labcorp
Classification: Benign. Last evaluated: 2026-02-02. Review status: criteria provided, single submitter. Criteria: Invitae Variant Classification Sherloc (09022015). Collection method: clinical testing. Allele origin: germline.

Mayo Clinic Laboratories, Mayo Clinic
Classification: Benign. Last evaluated: 2025-03-24. Review status: criteria provided, single submitter. Criteria: ACMG Guidelines, 2015. Collection method: clinical testing. Allele origin: germline. Observed: 1 variant allele.
Comment: BA1, BS2

ARUP Laboratories, Molecular Genetics and Genomics, ARUP Laboratories
Classification: Benign. Last evaluated: 2023-11-22. Review status: criteria provided, single submitter. Criteria: ARUP Molecular Germline Variant Investigation Process 2024. Collection method: clinical testing. Allele origin: germline.

Fulgent Genetics
Classification: Benign for Usher syndrome type 1; Autosomal recessive nonsyndromic hearing loss 2; Autosomal dominant nonsyndromic hearing loss 11. Last evaluated: 2022-05-27. Review status: criteria provided, single submitter. Criteria: ACMG Guidelines, 2015. Collection method: clinical testing. Allele origin: unknown.

Athena Diagnostics
Classification: Benign. Last evaluated: 2019-08-05. Review status: criteria provided, single submitter. Criteria: Athena Diagnostics Criteria. Collection method: clinical testing. Allele origin: germline.

Illumina Laboratory Services, Illumina
Classification: Likely benign for Autosomal dominant nonsyndromic hearing loss 11. Last evaluated: 2017-04-27. Review status: criteria provided, single submitter. Criteria: ICSL Variant Classification Criteria 13 December 2019. Collection method: clinical testing. Allele origin: germline.
Comment: This variant was observed as part of a predisposition screen in an ostensibly healthy population. A literature search was performed for the gene, cDNA change, and amino acid change (where applicable). No publications were found based on this search. Allele frequency data from public databases allowed determination this variant is unlikely to cause disease. Therefore, this variant is classified as likely benign.

Illumina Laboratory Services, Illumina
Classification: Likely benign for Usher syndrome type 1. Last evaluated: 2017-04-27. Review status: criteria provided, single submitter. Criteria: ICSL Variant Classification Criteria 13 December 2019. Collection method: clinical testing. Allele origin: germline.
Comment: the same text as in the submission from Illumina Laboratory Services, Illumina above.

Illumina Laboratory Services, Illumina
Classification: Likely benign for Autosomal recessive nonsyndromic hearing loss 2. Last evaluated: 2017-04-27. Review status: criteria provided, single submitter. Criteria: ICSL Variant Classification Criteria 13 December 2019. Collection method: clinical testing. Allele origin: germline.
Comment: the same text as in the submission from Illumina Laboratory Services, Illumina above.

GeneDx
Classification: Benign. Last evaluated: 2017-03-27. Review status: criteria provided, single submitter. Criteria: GeneDx Variant Classification (06012015). Collection method: clinical testing. Allele origin: germline. Affected: yes.
Comment: This variant is considered likely benign or benign based on one or more of the following criteria: it is a conservative change, it occurs at a poorly conserved position in the protein, it is predicted to be benign by multiple in silico algorithms, and/or has population frequency not consistent with disease.

Eurofins Ntd Llc (ga)
Classification: Benign. Last evaluated: 2016-03-22. Review status: criteria provided, single submitter. Criteria: EGL Classification Definitions 2015. Collection method: clinical testing. Allele origin: germline. Observed: 2 variant alleles, 2 heterozygotes.

Breakthrough Genomics
Classification: Likely benign. Review status: criteria provided, single submitter. Criteria: ACMG Guidelines, 2015. Collection method: not provided. Allele origin: germline. Inheritance: Autosomal recessive inheritance. Affected: yes.

Natera, Inc.
Classification: Benign for Usher syndrome type 1B. Last evaluated: 2020-09-16. Review status: no assertion criteria provided. Collection method: clinical testing. Allele origin: germline. Not counted in ClinVar's aggregate classification.

Laboratory for Molecular Medicine, Mass General Brigham Personalized Medicine
Classification: Benign. Last evaluated: 2009-10-27. Review status: no assertion criteria provided. Collection method: clinical testing. Allele origin: germline. Observed: 22 variant alleles. Not counted in ClinVar's aggregate classification.

Literature cited by the submitters: PubMed 16679490 (cited by Laboratory for Molecular Medicine, Mass General Brigham Personalized Medicine).